The following is an entry in ClinVar:

ClinVar aggregate classification (germline): Likely benign. Review status: criteria provided, multiple submitters, no conflicts (2 of 4 stars). 2 submissions from 2 submitters: Likely benign (2). Last evaluated 2025-01-19.

Conditions:
Progressive sclerosing poliodystrophy (MTDPS4A). Also called: Alpers-Huttenlocher Syndrome (AHS); Alpers Syndrome; ALPERS PROGRESSIVE INFANTILE POLIODYSTROPHY; Mitochondrial DNA depletion syndrome 4A (Alpers type); ALPERS DIFFUSE DEGENERATION OF CEREBRAL GRAY MATTER WITH HEPATIC CIRRHOSIS; Alpers-Huttenlocher Syndrome. Identifiers: Orphanet 726, MedGen C0205710, MONDO:0008758, OMIM 203700.

gnomAD v4.1: 1 of 1,614,134 alleles (0.000062%); highest among the groups gnomAD compares: Non-Finnish European, 0.000085%; no homozygotes.

Submissions (2):

Labcorp Genetics (formerly Invitae), Labcorp
Classification: Likely benign for Progressive sclerosing poliodystrophy. Last evaluated: 2025-01-19. Review status: criteria provided, single submitter. Criteria: Invitae Variant Classification Sherloc (09022015). Collection method: clinical testing. Allele origin: germline.

Wong Mito Lab, Molecular and Human Genetics, Baylor College of Medicine
Classification: Likely benign for Progressive sclerosing poliodystrophy. Last evaluated: 2018-10-01. Review status: criteria provided, single submitter. Criteria: ACMG Guidelines, 2015. Collection method: clinical testing. Allele origin: germline.
Comment: The NM_002693.2:c.1023+17G>C (NP_002684.1:p.=) [GRCH38: NC_000015.10:g.89328926C>G] variant in POLG gene is interpretated to be a Likely Benign based on ACMG guidelines (PMID: 25741868). This variant meets the following evidence codes reported in the ACMG-guideline. BP4:Computational evidence/predictors indicate no impact on the POLG structure, function, or protein-protein interaction. BP6:Reputable source(s) without shared data suggest the variant is benign. Based on the evidence criteria codes applied, the variant is suggested to be Likely Benign.

NM_002693.3(POLG):c.1023+17G>C

Gene: POLG (DNA polymerase gamma, catalytic subunit; minus strand). Cytogenetic location: 15q26.1.
Variant type: single nucleotide variant.
Coding change: c.1023+17G>C on transcript NM_002693.3 (MANE Select); 17 bases into the intron after coding-DNA position 1023, G replaced by C.
Molecular consequence: intron variant.
Genome position (GRCh38, 1-based): chr15:89,328,926, C>G on the plus strand (G>C on the coding strand, the complement: POLG is on the minus strand). VCF-style: chr15-89328926-C-G. GRCh37 (hg19) VCF-style: chr15-89872157-C-G.
Other names: c.1023+17G>C (NM_001126131.2).
Identifiers: ClinVar variation 619451 (VCV000619451.9), dbSNP rs778750911, ClinGen allele CA10602302.